The following is an entry in ClinVar:

NM_201384.3(PLEC):c.10320C>T (p.Tyr3440=)

Gene: PLEC (plectin; minus strand). Cytogenetic location: 8q24.3.
Variant type: single nucleotide variant.
Coding change: c.10320C>T on transcript NM_201384.3 (MANE Select); coding-DNA position 10320, C replaced by T.
Protein change: p.Tyr3440=; no amino-acid change (tyrosine 3440 retained).
Molecular consequence: synonymous variant.
Genome position (GRCh38, 1-based): chr8:143,919,501, G>A on the plus strand (C>T on the coding strand, the complement: PLEC is on the minus strand). VCF-style: chr8-143919501-G-A. GRCh37 (hg19) VCF-style: chr8-144993669-G-A.
Other names: c.10401C>T, p.Tyr3467= (NM_000445.5); c.7020C>T, p.Tyr2340= (NM_001410941.1); c.10278C>T, p.Tyr3426= (NM_201378.4); c.10254C>T, p.Tyr3418= (NM_201379.3); c.10731C>T, p.Tyr3577= (NM_201380.4); c.10224C>T, p.Tyr3408= (NM_201381.3); c.10320C>T, p.Tyr3440= (NM_201382.4); c.10332C>T, p.Tyr3444= (NM_201383.3).
Identifiers: ClinVar variation 3030377 (VCV003030377.2), dbSNP rs1421994404, ClinGen allele CA463529775.

ClinVar aggregate classification (germline): Likely benign (0 of 4 stars; one submission).

Conditions:
PLEC-related disorder. Also called: PLEC-related condition; PLEC-related disorders.

Allele frequency attached by ClinVar (database versions not stated): gnomAD exomes below 0.00001; TOPMed below 0.00001; gnomAD 0.00001.
gnomAD v4.1: 2 of 1,612,860 alleles (0.00012%); highest among the groups gnomAD compares: Non-Finnish European, 0.00017%; no homozygotes.

Submission:

PreventionGenetics, part of Exact Sciences
Classification: Likely benign for PLEC-related condition. Last evaluated: 2023-11-20. Review status: no assertion criteria provided. Collection method: clinical testing. Allele origin: germline.
Comment: This variant is classified as likely benign based on ACMG/AMP sequence variant interpretation guidelines (Richards et al. 2015 PMID: 25741868, with internal and published modifications).